The following is an entry in ClinVar:

NM_007294.4(BRCA1):c.1315dup (p.Ala439fs)

Gene: BRCA1 (BRCA1 DNA repair associated; minus strand). Cytogenetic location: 17q21.31.
Variant type: Duplication.
Coding change: c.1315dup on transcript NM_007294.4 (MANE Select); coding-DNA position 1315, one base duplicated (G; older notation c.1315dupG).
Protein change: p.Ala439fs; shifts the reading frame from alanine 439.
Molecular consequence: frameshift variant. On other transcripts: intron variant (137).
Genome position (GRCh38, 1-based): chr17:43,094,216, C duplicated on the plus strand (G on the coding strand, the reverse complement: BRCA1 is on the minus strand); the first of 2 consecutive C bases (chr17:43,094,216-43,094,217); duplicating either gives the same sequence. VCF-style (leftmost placement, unchanged base first): chr17-43094215-G-GC. GRCh37 (hg19) VCF-style: chr17-41246232-G-GC.
Other names: c.1315dupG (NM_007294.3); c.1315dup, p.Ala439fs (NM_001407621.1, NM_001407622.1, NM_001407623.1 and 30 more transcripts); c.1102dup, p.Ala368fs (NM_001407571.1, NM_001407853.1, NM_001407894.1 and 9 more transcripts); c.1312dup, p.Ala438fs (NM_001407627.1, NM_001407628.1, NM_001407629.1 and 22 more transcripts); c.1306dup, p.Ala436fs (NM_001407646.1, NM_001407647.1); c.1192dup, p.Ala398fs (NM_001407648.1, NM_001407664.1, NM_001407665.1 and 19 more transcripts); c.1189dup, p.Ala397fs (NM_001407649.1, NM_001407670.1, NM_001407671.1 and 11 more transcripts); c.1237dup, p.Ala413fs (NM_001407653.1, NM_001407654.1, NM_001407655.1 and 4 more transcripts); and 41 more; short protein forms A439fs, A392fs, A271fs, A312fs, A368fs, A391fs, A397fs, A412fs.
Identifiers: ClinVar variation 482946 (VCV000482946.14), dbSNP rs1555591956, ClinGen allele CA658656791.

ClinVar aggregate classification (germline): Pathogenic. Review status: criteria provided, multiple submitters, no conflicts (2 of 4 stars). 2 submissions from 2 submitters: Pathogenic (2). Last evaluated 2021-06-25.

Conditions:
Hereditary cancer-predisposing syndrome. Also called: Neoplastic Syndromes, Hereditary; Tumor predisposition; Hereditary Cancer Syndrome; Hereditary neoplastic syndrome. Identifiers: Orphanet 140162, MedGen C0027672, MeSH D009386, MONDO:0015356.
Hereditary breast ovarian cancer syndrome. Also called: Hereditary breast and ovarian cancer syndrome; Hereditary breast and ovarian cancer; Hereditary breast and ovarian cancer syndrome (HBOC); Breast and ovarian cancer; Hereditary breast and/or ovarian cancer syndrome; BRCA1- and BRCA2-Associated Hereditary Breast and Ovarian Cancer. Identifiers: Orphanet 145, MedGen C0677776, MeSH D061325, MONDO:0003582. Disease mechanism: loss of function.

Submissions (2):

Labcorp Genetics (formerly Invitae), Labcorp
Classification: Pathogenic for Hereditary breast ovarian cancer syndrome. Last evaluated: 2021-06-25. Review status: criteria provided, single submitter. Criteria: Invitae Variant Classification Sherloc (09022015). Collection method: clinical testing. Allele origin: germline.
Comment: For these reasons, this variant has been classified as Pathogenic. This sequence change creates a premature translational stop signal (p.Ala439Glyfs*5) in the BRCA1 gene. It is expected to result in an absent or disrupted protein product. Loss-of-function variants in BRCA1 are known to be pathogenic (PMID: 20104584). This variant is not present in population databases (ExAC no frequency). This variant has not been reported in the literature in individuals with BRCA1-related conditions. ClinVar contains an entry for this variant (Variation ID: 482946).

Ambry Genetics
Classification: Pathogenic for Hereditary cancer-predisposing syndrome. Last evaluated: 2017-05-10. Review status: criteria provided, single submitter. Criteria: Ambry Variant Classification Scheme 2023. Collection method: clinical testing. Allele origin: germline.
Comment: The c.1315dupG pathogenic mutation, located in coding exon 9 of the BRCA1 gene, results from a duplication of G at nucleotide position 1315, causing a translational frame shift with a predicted alternate stop codon (p.A439Gfs*5). This alteration is expected to result in loss of function by premature protein truncation or nonsense-mediated mRNA decay. As such, this alteration is interpreted as a disease-causing mutation.

Literature cited by the submitters: PubMed 20104584 (cited by Labcorp Genetics (formerly Invitae), Labcorp).